The following is an entry in ClinVar:

ClinVar aggregate classification (germline): Uncertain significance. Review status: criteria provided, multiple submitters, no conflicts (2 of 4 stars). 5 submissions from 5 submitters: Uncertain significance (5). Last evaluated 2025-10-07.

Conditions:
Familial adenomatous polyposis 1 (FAP1). Also called: POLYPOSIS, ADENOMATOUS INTESTINAL; FAMILIAL ADENOMATOUS POLYPOSIS 1, ATTENUATED. Identifiers: MedGen C2713442, MONDO:0021056, OMIM 175100. Disease mechanism: loss of function.
Classic or attenuated familial adenomatous polyposis. Identifiers: MedGen CN372698, MONDO:0021057.
Hereditary cancer-predisposing syndrome. Also called: Tumor predisposition; Hereditary neoplastic syndrome; Neoplastic Syndromes, Hereditary; Hereditary Cancer Syndrome. Identifiers: Orphanet 140162, MedGen C0027672, MeSH D009386, MONDO:0015356.

Submissions (5):

Ambry Genetics
Classification: Uncertain significance for Hereditary cancer-predisposing syndrome. Last evaluated: 2025-10-07. Review status: criteria provided, single submitter. Criteria: Ambry Variant Classification Scheme 2023. Collection method: clinical testing. Allele origin: germline.
Comment: The p.K1734T variant (also known as c.5201A>C), located in coding exon 15 of the APC gene, results from an A to C substitution at nucleotide position 5201. The lysine at codon 1734 is replaced by threonine, an amino acid with similar properties. This amino acid position is highly conserved in available vertebrate species. In addition, in silico predictors for this gene do not accurately predict pathogenicity. Missense variants in APC are not a common cause of disease (Spier I et al. Genet Med. 2024 Feb;26(2):100992). Based on the available evidence, the clinical significance of this variant remains unclear.

Women's Health and Genetics/Laboratory Corporation of America, LabCorp
Classification: Uncertain significance. Last evaluated: 2025-06-05. Review status: criteria provided, single submitter. Criteria: LabCorp Variant Classification Summary - May 2015. Collection method: clinical testing. Allele origin: germline.
Comment: Variant summary: APC c.5201A>C (p.Lys1734Thr) results in a non-conservative amino acid change in the encoded protein sequence. Algorithms developed to predict the effect of missense changes on protein structure and function all suggest that this variant is likely to be disruptive. The variant was absent in 250518 control chromosomes. The available data on variant occurrences in the general population are insufficient to allow any conclusion about variant significance. To our knowledge, no occurrence of c.5201A>C in individuals affected with Familial Adenomatous Polyposis and no experimental evidence demonstrating its impact on protein function have been reported. ClinVar contains an entry for this variant (Variation ID: 517439). Based on the evidence outlined above, the variant was classified as uncertain significance.

Labcorp Genetics (formerly Invitae), Labcorp
Classification: Uncertain significance for Familial adenomatous polyposis 1. Last evaluated: 2024-12-18. Review status: criteria provided, single submitter. Criteria: Invitae Variant Classification Sherloc (09022015). Collection method: clinical testing. Allele origin: germline.
Comment: This sequence change replaces lysine, which is basic and polar, with threonine, which is neutral and polar, at codon 1734 of the APC protein (p.Lys1734Thr). This variant is not present in population databases (gnomAD no frequency). This variant has not been reported in the literature in individuals affected with APC-related conditions. ClinVar contains an entry for this variant (Variation ID: 517439). Invitae Evidence Modeling of protein sequence and biophysical properties (such as structural, functional, and spatial information, amino acid conservation, physicochemical variation, residue mobility, and thermodynamic stability) indicates that this missense variant is not expected to disrupt APC protein function with a negative predictive value of 95%. In summary, the available evidence is currently insufficient to determine the role of this variant in disease. Therefore, it has been classified as a Variant of Uncertain Significance.

All of Us Research Program, National Institutes of Health
Classification: Uncertain significance for Classic or attenuated familial adenomatous polyposis. Last evaluated: 2024-03-05. Review status: criteria provided, single submitter. Criteria: ACMG Guidelines, 2015. Collection method: clinical testing. Allele origin: germline. Inheritance: Autosomal dominant inheritance. Observed: 2 variant alleles, 2 heterozygotes.
Comment: This missense variant replaces lysine with threonine at codon 1734 of the APC protein. Computational prediction is inconclusive regarding the impact of this variant on protein structure and function (internally defined REVEL score threshold 0.5 < inconclusive < 0.7, PMID: 27666373). To our knowledge, functional studies have not been reported for this variant. This variant has been reported in a cohort of consisting of individuals affected with colorectal cancer or polyps, as well as healthy controls (PMID: 31422818). This variant has not been identified in the general population by the Genome Aggregation Database (gnomAD). The available evidence is insufficient to determine the role of this variant in disease conclusively. Therefore, this variant is classified as a Variant of Uncertain Significance.

This study involves interpretation of variants in research participants for the purpose of population health screening. Participant phenotype was not available at the time of variant classification. Additional details can be found in publication PMID: 35346344, PMCID: PMC8962531

Laboratory for Molecular Medicine, Mass General Brigham Personalized Medicine
Classification: Uncertain significance. Last evaluated: 2017-06-13. Review status: criteria provided, single submitter. Criteria: LMM Criteria. Collection method: clinical testing. Allele origin: germline. Observed: 1 variant allele.
Comment: The p.Lys1734Thr variant in APC has not been previously reported in individuals with familial adenomatous polyposis or other APC-associated disorders and was ab sent from large population studies. Computational prediction tools and conservat ion analysis suggest that the p.Lys1734Thr variant may impact the protein, thoug h this information is not predictive enough to determine pathogenicity. In summa ry, the clinical significance of the p.Lys1734Thr variant is uncertain.

Literature cited by the submitters: PubMed 31422818 (cited by Ambry Genetics and All of Us Research Program, National Institutes of Health).

NM_000038.6(APC):c.5201A>C (p.Lys1734Thr)

Gene: APC (APC regulator of Wnt signaling pathway; plus strand). Cytogenetic location: 5q22.2.
Variant type: single nucleotide variant.
Coding change: c.5201A>C on transcript NM_000038.6 (MANE Select); coding-DNA position 5201, A replaced by C.
Protein change: p.Lys1734Thr; replaces lysine 1734 with threonine.
Molecular consequence: missense variant.
Genome position (GRCh38, 1-based): chr5:112,840,795, A>C. VCF-style: chr5-112840795-A-C. GRCh37 (hg19) VCF-style: chr5-112176492-A-C.
Other names: c.5201A>C, p.Lys1734Thr (NM_001127510.3, NM_001354895.2); c.5147A>C, p.Lys1716Thr (NM_001127511.3); c.5255A>C, p.Lys1752Thr (NM_001354896.2); c.5231A>C, p.Lys1744Thr (NM_001354897.2); c.5126A>C, p.Lys1709Thr (NM_001354898.2); c.5117A>C, p.Lys1706Thr (NM_001354899.2); c.5078A>C, p.Lys1693Thr (NM_001354900.2); c.5024A>C, p.Lys1675Thr (NM_001354901.2); and 5 more; short protein forms K1716T, K1734T, K1451T, K1608T, K1574T, K1706T, K1744T, K1752T.
Identifiers: ClinVar variation 517439 (VCV000517439.19), dbSNP rs1204161988, ClinGen allele CA16032698.
Genomic context (GRCh38, chr5:112,840,795, plus strand): 5'-ATGACAATAAAGCAGAGGAAGGTGATATTCTTGCAGAATGCATTAATTCTGCTATGCCCA[A>C]AGGGAAAAGTCACAAGCCTTTCCGTGTGAAAAAGATAATGGACCAGGTCCAGCAAGCATC-3'
Protein context (NP_000029.2, residues 1724-1744): LAECINSAMP[Lys1734Thr]GKSHKPFRVK